The following is an entry in ClinVar:

NM_015512.5(DNAH1):c.9560A>G (p.His3187Arg)

Gene: DNAH1 (dynein axonemal heavy chain 1; plus strand). Cytogenetic location: 3p21.1.
Variant type: single nucleotide variant.
Coding change: c.9560A>G on transcript NM_015512.5 (MANE Select); coding-DNA position 9560, A replaced by G.
Protein change: p.His3187Arg; replaces histidine 3187 with arginine.
Molecular consequence: missense variant.
Genome position (GRCh38, 1-based): chr3:52,389,525, A>G. VCF-style: chr3-52389525-A-G. GRCh37 (hg19) VCF-style: chr3-52423541-A-G.
Other names: short protein forms H3187R.
Identifiers: ClinVar variation 837083 (VCV000837083.5), dbSNP rs201903736, ClinGen allele CA2435567.

ClinVar aggregate classification (germline): Uncertain significance. Review status: criteria provided, multiple submitters, no conflicts (2 of 4 stars). 2 submissions from 2 submitters: Uncertain significance (2). Last evaluated 2024-10-07.

Conditions:
DNAH1-related disorder. Also called: DNAH1-related condition.
Spermatogenic failure 18. Identifiers: MedGen C4539783, MONDO:0054615, OMIM 617576.
Ciliary dyskinesia, primary, 37 (CILD37). Also called: CILIARY DYSKINESIA, PRIMARY, 37, WITH OR WITHOUT SITUS INVERSUS. Identifiers: MedGen C4539798, MONDO:0033204, OMIM 617577.

Allele frequency attached by ClinVar (database versions not stated): gnomAD exomes 0.00004 and 0.00010; ExAC 0.00021; 1000 Genomes Project 30x 0.00031; gnomAD 0.00038 and 0.00041; 1000 Genomes Project 0.00040; TOPMed 0.00045; ESP Exome Variant Server 0.00047.
gnomAD v4.1: 116 of 1,590,314 alleles (0.0073%); highest among the groups gnomAD compares: African/African-American, 0.13%; no homozygotes.

Submissions (2):

PreventionGenetics, part of Exact Sciences
Classification: Uncertain significance for DNAH1-related condition. Last evaluated: 2024-10-07. Review status: criteria provided, single submitter. Criteria: ACMG Guidelines, 2015. Collection method: clinical testing. Allele origin: germline.
Comment: The DNAH1 c.9560A>G variant is predicted to result in the amino acid substitution p.His3187Arg. To our knowledge, this variant has not been reported in the literature. This variant is reported in 0.15% of alleles in individuals of African descent in gnomAD. Although we suspect that this variant may be benign, at this time, the clinical significance of this variant is uncertain due to the absence of conclusive functional and genetic evidence.

Labcorp Genetics (formerly Invitae), Labcorp
Classification: Uncertain significance for Ciliary dyskinesia, primary, 37; Spermatogenic failure 18. Last evaluated: 2022-06-13. Review status: criteria provided, single submitter. Criteria: Invitae Variant Classification Sherloc (09022015). Collection method: clinical testing. Allele origin: germline.
Comment: This sequence change replaces histidine, which is basic and polar, with arginine, which is basic and polar, at codon 3187 of the DNAH1 protein (p.His3187Arg). This variant is present in population databases (rs201903736, gnomAD 0.2%). This variant has not been reported in the literature in individuals affected with DNAH1-related conditions. ClinVar contains an entry for this variant (Variation ID: 837083). Algorithms developed to predict the effect of missense changes on protein structure and function are either unavailable or do not agree on the potential impact of this missense change (SIFT: "Deleterious"; PolyPhen-2: "Benign"; Align-GVGD: "Class C0"). In summary, the available evidence is currently insufficient to determine the role of this variant in disease. Therefore, it has been classified as a Variant of Uncertain Significance.